The following is an entry in ClinVar:

ClinVar aggregate classification (germline): Conflicting classifications of pathogenicity. Review status: criteria provided, conflicting classifications (1 of 4 stars). 8 submissions from 8 submitters: Uncertain significance (4); Benign (1); Likely benign (3). Last evaluated 2026-06-22.

Conditions:
Polycystic kidney disease, adult type (PKD1). Also called: POLYCYSTIC KIDNEY DISEASE, ADULT, TYPE I; Polycystic Kidney, Autosomal Dominant; Polycystic Kidney Disease 1, Autosomal Dominant; Polycystic kidney disease 1; Polycystic kidney disease 1, severe; POLYCYSTIC KIDNEY DISEASE 1 WITH OR WITHOUT POLYCYSTIC LIVER DISEASE. Identifiers: MedGen C3149841, MONDO:0008263, OMIM 173900.
PKD1-related disorder. Also called: PKD1-related condition.
Inborn genetic diseases. Identifiers: MedGen C0950123, MeSH D030342.

Allele frequency attached by ClinVar (database versions not stated): gnomAD exomes 0.00004 and 0.00012; TOPMed 0.00011; gnomAD 0.00012 and 0.00013; ExAC 0.00014; 1000 Genomes Project 30x 0.00016; 1000 Genomes Project 0.00020.
gnomAD v4.1: 81 of 1,598,810 alleles (0.0051%); highest among the groups gnomAD compares: East Asian, 0.12%; no homozygotes.

Submissions (8):

PreventionGenetics, part of Exact Sciences
Classification: Uncertain significance for PKD1-related condition. Last evaluated: 2026-06-22. Review status: criteria provided, single submitter. Criteria: ACMG Guidelines, 2015. Collection method: clinical testing. Allele origin: germline.
Comment: The PKD1 c.5770G>A variant is predicted to result in the amino acid substitution p.Gly1924Ser. This variant has been reported in an individual with sporadic polycystic kidney disease (Table S2. Fujimaru et al. 2018. PubMed ID: 29520754). This variant is reported in 0.19% of alleles in individuals of East Asian descent in gnomAD. Although we suspect that this variant may be benign, at this time, the clinical significance of this variant is uncertain due to the absence of conclusive functional and genetic evidence.

Women's Health and Genetics/Laboratory Corporation of America, LabCorp
Classification: Uncertain significance. Last evaluated: 2026-05-26. Review status: criteria provided, single submitter. Criteria: LabCorp Variant Classification Summary - May 2015. Collection method: clinical testing. Allele origin: germline.
Comment: Variant summary: PKD1 c.5770G>A (p.Gly1924Ser) results in a non-conservative amino acid change in the encoded protein sequence. Algorithms developed to predict the effect of missense changes on protein structure and function are either unavailable or do not agree on the potential impact of this missense change. The variant allele was found at a frequency of 0.00013 in 231786 control chromosomes. This frequency is not significantly higher than estimated for disease-causing variants in PKD1, allowing no conclusion about variant significance. c.5770G>A has been observed in at least one individual affected with adult-onset polycystic kidney disease (example: Fujimaru_2018). These data do not allow any conclusion about variant significance. To our knowledge, no experimental evidence demonstrating an impact on protein function has been reported. The following publications have been ascertained in the context of this evaluation (PMID: 29520754, 27835667, 30820006). ClinVar contains an entry for this variant (Variation ID: 618303). Based on the evidence outlined above, the variant was classified as uncertain significance.

Blueprint Genetics
Classification: Likely benign. Last evaluated: 2024-04-22. Review status: criteria provided, single submitter. Criteria: ACMG Guidelines, 2015. Collection method: clinical testing. Allele origin: germline.

Ambry Genetics
Classification: Uncertain significance for Inborn genetic diseases. Last evaluated: 2023-08-23. Review status: criteria provided, single submitter. Criteria: Ambry Variant Classification Scheme 2023. Collection method: clinical testing. Allele origin: germline.

Department of Pathology and Laboratory Medicine, Sinai Health System
Classification: Uncertain significance for Polycystic kidney disease, adult type. Last evaluated: 2022-08-31. Review status: criteria provided, single submitter. Criteria: ACMG Guidelines, 2015. Collection method: research. Allele origin: germline.

Fulgent Genetics
Classification: Likely benign for Polycystic kidney disease, adult type. Last evaluated: 2021-09-11. Review status: criteria provided, single submitter. Criteria: ACMG Guidelines, 2015. Collection method: clinical testing. Allele origin: unknown.

Athena Diagnostics
Classification: Benign. Last evaluated: 2020-07-15. Review status: criteria provided, single submitter. Criteria: Athena Diagnostics Criteria. Collection method: clinical testing. Allele origin: unknown.

ARUP Laboratories, Molecular Genetics and Genomics, ARUP Laboratories
Classification: Likely benign. Last evaluated: 2017-12-07. Review status: criteria provided, single submitter. Criteria: ARUP Molecular Germline Variant Investigation Process. Collection method: clinical testing. Allele origin: germline.
Comment: The PKD1 c.5770G>A, p.Gly1924Ser variant (rs199947459) has not been reported in the medical literature, nor listed in gene-specific variant databases. It is observed in the East Asian population of general population databases at a frequency of 0.1 percent in the 1000 Genomes Project (1/1008 alleles), and 0.19 percent in the Genome Aggregation Database (36/18582 alleles). The glycine at position 1924 is weakly conserved (Alamut v2.10), and computational algorithms (Align GVGD, Mutation Taster, PolyPhen-2, SIFT) predict that the variant has no impact on PKD1 protein structure or function. Based on the above information, and its co-occurrence with a truncating variant in an individual tested at ARUP Laboratories, the p.Gly1924Ser variant is considered likely benign.

Literature cited by the submitters: PubMed 29520754 (cited by Women's Health and Genetics/Laboratory Corporation of America, LabCorp); PubMed 27835667 (cited by Women's Health and Genetics/Laboratory Corporation of America, LabCorp); PubMed 30820006 (cited by Women's Health and Genetics/Laboratory Corporation of America, LabCorp).

NM_001009944.3(PKD1):c.5770G>A (p.Gly1924Ser)

Gene: PKD1 (polycystin 1, transient receptor potential channel interacting; minus strand). Cytogenetic location: 16p13.3.
Variant type: single nucleotide variant.
Coding change: c.5770G>A on transcript NM_001009944.3 (MANE Select); coding-DNA position 5770, G replaced by A.
Protein change: p.Gly1924Ser; replaces glycine 1924 with serine.
Molecular consequence: missense variant.
Genome position (GRCh38, 1-based): chr16:2,109,397, C>T on the plus strand (G>A on the coding strand, the complement: PKD1 is on the minus strand). VCF-style: chr16-2109397-C-T. GRCh37 (hg19) VCF-style: chr16-2159398-C-T.
Other names: c.5770G>A (NM_001009944.2); c.5770G>A, p.Gly1924Ser (NM_000296.4); short protein forms G1924S.
Identifiers: ClinVar variation 618303 (VCV000618303.16), dbSNP rs199947459, ClinGen allele CA7831865.